The following is an entry in ClinVar:

ClinVar aggregate classification (germline): Uncertain significance (1 of 4 stars; one submission).

Submission:

GeneDx
Classification: Uncertain significance. Last evaluated: 2024-05-16. Review status: criteria provided, single submitter. Criteria: GeneDx Variant Classification Process June 2021. Collection method: clinical testing. Allele origin: germline. Affected: yes.
Comment: Not observed at significant frequency in large population cohorts (gnomAD); In silico analysis indicates that this missense variant does not alter protein structure/function; Has not been previously published as pathogenic or benign to our knowledge

NM_016938.5(EFEMP2):c.389C>A (p.Ala130Asp)

Gene: EFEMP2 (EGF containing fibulin extracellular matrix protein 2; minus strand). Cytogenetic location: 11q13.1.
Variant type: single nucleotide variant.
Coding change: c.389C>A on transcript NM_016938.5 (MANE Select); coding-DNA position 389, C replaced by A.
Protein change: p.Ala130Asp; replaces alanine 130 with aspartic acid.
Molecular consequence: missense variant. On other transcripts: non-coding transcript variant (1).
Genome position (GRCh38, 1-based): chr11:65,870,637, G>T on the plus strand (C>A on the coding strand, the complement: EFEMP2 is on the minus strand). VCF-style: chr11-65870637-G-T. GRCh37 (hg19) VCF-style: chr11-65638108-G-T.
Other names: short protein forms A130D.
Identifiers: ClinVar variation 3377947 (VCV003377947.1).
Genomic context (GRCh38, chr11:65,870,637, plus strand): 5'-GTGCACTGATAGGAGCCAGGCAAGTTATGGCAGTCCTGGCTGGGGCGACAGTCGTGCAGG[G>T]CCTGGGCACACTCGTCCACATCTGCGAGAGACACCACTCAGCCCCTGCCTGGGATCCCGC-3'
Protein context (NP_058634.4, residues 120-140): SCVDVDECAQ[Ala130Asp]LHDCRPSQDC